The following is an entry in ClinVar:

ClinVar aggregate classification (germline): Conflicting classifications of pathogenicity. Review status: criteria provided, conflicting classifications (1 of 4 stars). 5 submissions from 5 submitters: Uncertain significance (1); Likely benign (3). 1 of the submissions does not count toward it. Last evaluated 2025-12-27.

Conditions:
Cardiovascular phenotype. Identifiers: MedGen CN230736.
Cardiomyopathy (CMYO). Also called: Cardiomyopathies. Identifiers: Orphanet 167848, MedGen C0878544, MONDO:0004994, HP:0001638. Inheritance: Various modes of inheritance.
Duchenne muscular dystrophy (DMD). Also called: Duchenne Muscular Dystrophy (DMD); MUSCULAR DYSTROPHY, PSEUDOHYPERTROPHIC PROGRESSIVE, DUCHENNE TYPE. Identifiers: Orphanet 98896, MedGen C0013264, MONDO:0010679, OMIM 310200.
Becker muscular dystrophy (BMD). Also called: Becker Muscular Dystrophy (BMD); MUSCULAR DYSTROPHY, PSEUDOHYPERTROPHIC PROGRESSIVE, BECKER TYPE. Identifiers: Orphanet 98895, MedGen C0917713, MONDO:0010311, OMIM 300376.
Dystrophin deficiency.

Allele frequency attached by ClinVar (database versions not stated): TOPMed 0.00005; gnomAD 0.00007; gnomAD exomes 0.00008 and 0.00014; ExAC 0.00015; 1000 Genomes Project 30x 0.00021; 1000 Genomes Project 0.00026.
gnomAD v4.1: 155 of 1,209,508 alleles (0.013%); highest among the groups gnomAD compares: Non-Finnish European, 0.017%; no homozygotes.

Submissions (5):

Labcorp Genetics (formerly Invitae), Labcorp
Classification: Likely benign for Duchenne muscular dystrophy. Last evaluated: 2025-12-27. Review status: criteria provided, single submitter. Criteria: Invitae Variant Classification Sherloc (09022015). Collection method: clinical testing. Allele origin: germline.

CeGaT Center for Human Genetics Tuebingen
Classification: Likely benign. Last evaluated: 2023-03-01. Review status: criteria provided, single submitter. Criteria: CeGaT Center For Human Genetics Tuebingen Variant Classification Criteria Version 2. Collection method: clinical testing. Allele origin: germline. Affected: yes. Observed: 1 variant allele.
Comment: DMD: BS2

Ambry Genetics
Classification: Likely benign for Cardiovascular phenotype. Last evaluated: 2021-10-14. Review status: criteria provided, single submitter. Criteria: Ambry Variant Classification Scheme 2023. Collection method: clinical testing. Allele origin: germline.

Eurofins Ntd Llc (ga)
Classification: Uncertain significance. Last evaluated: 2016-05-31. Review status: criteria provided, single submitter. Criteria: EGL Classification Definitions 2015. Collection method: clinical testing. Allele origin: germline. Observed: 2 variant alleles, 2 heterozygotes.

Natera, Inc.
Classification: Likely benign for Becker muscular dystrophy; Cardiomyopathy; Duchenne muscular dystrophy; Dystrophin deficiency. Last evaluated: 2020-06-24. Review status: no assertion criteria provided. Collection method: clinical testing. Allele origin: germline. Not counted in ClinVar's aggregate classification.

NM_004006.3(DMD):c.9325G>T (p.Ala3109Ser)

Gene: DMD (dystrophin; minus strand). Cytogenetic location: Xp21.2.
Variant type: single nucleotide variant.
Coding change: c.9325G>T on transcript NM_004006.3 (MANE Select); coding-DNA position 9325, G replaced by T.
Protein change: p.Ala3109Ser; replaces alanine 3109 with serine.
Molecular consequence: missense variant.
Genome position (GRCh38, 1-based): chrX:31,223,083, C>A on the plus strand (G>T on the coding strand, the complement: DMD is on the minus strand). VCF-style: chrX-31223083-C-A. GRCh37 (hg19) VCF-style: chrX-31241200-C-A.
Other names: c.9301G>T, p.Ala3101Ser (NM_000109.4); c.9313G>T, p.Ala3105Ser (NM_004009.3); c.8956G>T, p.Ala2986Ser (NM_004010.3); c.5302G>T, p.Ala1768Ser (NM_004011.4); c.5293G>T, p.Ala1765Ser (NM_004012.4); c.1945G>T, p.Ala649Ser (NM_004013.3, NM_004020.4, NM_004021.3 and 2 more transcripts); c.1138G>T, p.Ala380Ser (NM_004014.3); c.121G>T, p.Ala41Ser (NM_004015.3, NM_004016.3, NM_004017.3 and 2 more transcripts); short protein forms A3109S, A3105S, A380S, A1768S, A41S, A649S, A2986S, A3101S.
Identifiers: ClinVar variation 239613 (VCV000239613.42), dbSNP rs201718067, ClinGen allele CA10377830.
Genomic context (GRCh38, chrX:31,223,083, plus strand): 5'-CTTCAAATACTGGCCAATACTTACAGCAAAGGGCCTTCTGCAGTCTTCGGAGTTTCATGG[C>A]AGTCCTATAAGCTGAGAATCTGACATTATTCAGGTCAGCTGAAAAGAGGGAAAACAAAGA-3'
Protein context (NP_003997.2, residues 3099-3119): NNVRFSAYRT[Ala3109Ser]MKLRRLQKAL